The following is an entry in ClinVar:

ClinVar aggregate classification (germline): Conflicting classifications of pathogenicity. Review status: criteria provided, conflicting classifications (1 of 4 stars). 2 submissions from 2 submitters: Uncertain significance (1); Likely benign (1). Last evaluated 2024-10-01.

Allele frequency attached by ClinVar (database versions not stated): ExAC 0.00018; TOPMed 0.00033; gnomAD 0.00037; ESP Exome Variant Server 0.00038; gnomAD exomes 0.00054.
gnomAD v4.1: 840 of 1,612,674 alleles (0.052%); highest among the groups gnomAD compares: Non-Finnish European, 0.067%; 1 homozygote.

Submissions (2):

CeGaT Center for Human Genetics Tuebingen
Classification: Likely benign. Last evaluated: 2024-10-01. Review status: criteria provided, single submitter. Criteria: CeGaT Center For Human Genetics Tuebingen Variant Classification Criteria Version 2. Collection method: clinical testing. Allele origin: germline. Affected: yes. Observed: 1 variant allele.
Comment: NSMF: BS2

Labcorp Genetics (formerly Invitae), Labcorp
Classification: Uncertain significance. Last evaluated: 2022-03-14. Review status: criteria provided, single submitter. Criteria: Invitae Variant Classification Sherloc (09022015). Collection method: clinical testing. Allele origin: germline.
Comment: This sequence change replaces alanine, which is neutral and non-polar, with threonine, which is neutral and polar, at codon 253 of the NSMF protein (p.Ala253Thr). This variant is present in population databases (rs142726563, gnomAD 0.04%). This variant has not been reported in the literature in individuals affected with NSMF-related conditions. Algorithms developed to predict the effect of missense changes on protein structure and function are either unavailable or do not agree on the potential impact of this missense change (SIFT: "Not Available"; PolyPhen-2: "Possibly Damaging"; Align-GVGD: "Not Available"). In summary, the available evidence is currently insufficient to determine the role of this variant in disease. Therefore, it has been classified as a Variant of Uncertain Significance.

NM_001130969.3(NSMF):c.763G>A (p.Ala255Thr)

Gene: NSMF (NMDA receptor synaptonuclear signaling and neuronal migration factor; minus strand). Cytogenetic location: 9q34.3.
Variant type: single nucleotide variant.
Coding change: c.763G>A on transcript NM_001130969.3 (MANE Select); coding-DNA position 763, G replaced by A.
Protein change: p.Ala255Thr; replaces alanine 255 with threonine.
Molecular consequence: missense variant. On other transcripts: intron variant (2).
Genome position (GRCh38, 1-based): chr9:137,455,255, C>T on the plus strand (G>A on the coding strand, the complement: NSMF is on the minus strand). VCF-style: chr9-137455255-C-T. GRCh37 (hg19) VCF-style: chr9-140349707-C-T.
Other names: c.763G>A, p.Ala255Thr (NM_001178064.2); c.757G>A, p.Ala253Thr (NM_015537.5, NM_182780.1); c.705-812G>A (NM_001130971.2); c.710+374G>A (NM_001130970.2); short protein forms A253T, A255T.
Identifiers: ClinVar variation 2041508 (VCV002041508.15), dbSNP rs142726563, ClinGen allele CA5370407.